The following is an entry in ClinVar:

NM_001367823.1(ARHGEF18):c.1483G>A (p.Ala495Thr)

Gene: ARHGEF18 (Rho/Rac guanine nucleotide exchange factor 18; plus strand). Cytogenetic location: 19p13.2.
Variant type: single nucleotide variant.
Coding change: c.1483G>A on transcript NM_001367823.1 (MANE Select); coding-DNA position 1483, G replaced by A.
Protein change: p.Ala495Thr; replaces alanine 495 with threonine.
Molecular consequence: missense variant.
Genome position (GRCh38, 1-based): chr19:7,444,326, G>A. VCF-style: chr19-7444326-G-A. GRCh37 (hg19) VCF-style: chr19-7509212-G-A.
Other names: c.757G>A, p.Ala253Thr (NM_001130955.2); c.445G>A, p.Ala149Thr (NM_001367824.1, NM_015318.4); c.919G>A (NM_001130955.1); short protein forms A149T, A253T, A495T.
Identifiers: ClinVar variation 1918765 (VCV001918765.7), dbSNP rs747605892, ClinGen allele CA9136482.

ClinVar aggregate classification (germline): Uncertain significance. Review status: criteria provided, multiple submitters, no conflicts (2 of 4 stars). 3 submissions from 3 submitters: Uncertain significance (3). Last evaluated 2025-04-16.

Conditions:
Inborn genetic diseases. Identifiers: MedGen C0950123, MeSH D030342.

Allele frequency attached by ClinVar (database versions not stated): TOPMed 0.00001; ExAC 0.00002.

Submissions (3):

Labcorp Genetics (formerly Invitae), Labcorp
Classification: Uncertain significance. Last evaluated: 2025-04-16. Review status: criteria provided, single submitter. Criteria: Invitae Variant Classification Sherloc (09022015). Collection method: clinical testing. Allele origin: germline.
Comment: This sequence change replaces alanine, which is neutral and non-polar, with threonine, which is neutral and polar, at codon 307 of the ARHGEF18 protein (p.Ala307Thr). This variant is present in population databases (rs747605892, gnomAD 0.007%). This variant has not been reported in the literature in individuals affected with ARHGEF18-related conditions. ClinVar contains an entry for this variant (Variation ID: 1918765). An algorithm developed to predict the effect of missense changes on protein structure and function (PolyPhen-2) suggests that this variant is likely to be disruptive. In summary, the available evidence is currently insufficient to determine the role of this variant in disease. Therefore, it has been classified as a Variant of Uncertain Significance.

Ambry Genetics
Classification: Uncertain significance for Inborn genetic diseases. Last evaluated: 2025-01-08. Review status: criteria provided, single submitter. Criteria: Ambry Variant Classification Scheme 2023. Collection method: clinical testing. Allele origin: germline.

Blueprint Genetics
Classification: Uncertain significance. Last evaluated: 2022-05-02. Review status: criteria provided, single submitter. Criteria: ACMG Guidelines, 2015. Collection method: clinical testing. Allele origin: germline.